The following is an entry in ClinVar:

ClinVar aggregate classification (germline): Benign/Likely benign. Review status: criteria provided, multiple submitters, no conflicts (2 of 4 stars). 3 submissions from 3 submitters: Benign (1); Likely benign (2). Last evaluated 2026-09-01.

gnomAD v4.1: 289 of 1,611,056 alleles (0.018%); highest among the groups gnomAD compares: South Asian, 0.11%; no homozygotes.

Submissions (3):

CeGaT Center for Human Genetics Tuebingen
Classification: Likely benign. Last evaluated: 2026-09-01. Review status: criteria provided, single submitter. Criteria: CeGaT Center For Human Genetics Tuebingen Variant Classification Criteria Version 2. Collection method: clinical testing. Allele origin: germline. Affected: yes. Observed: 1 variant allele.
Comment: CAMTA1: BS1

Labcorp Genetics (formerly Invitae), Labcorp
Classification: Benign. Last evaluated: 2024-08-27. Review status: criteria provided, single submitter. Criteria: Invitae Variant Classification Sherloc (09022015). Collection method: clinical testing. Allele origin: germline.

Blueprint Genetics
Classification: Likely benign. Last evaluated: 2024-03-27. Review status: criteria provided, single submitter. Criteria: ACMG Guidelines, 2015. Collection method: clinical testing. Allele origin: germline.

NM_015215.4(CAMTA1):c.3036C>T (p.Ser1012=)

Gene: CAMTA1 (calmodulin binding transcription activator 1; plus strand). Cytogenetic location: 1p36.23.
Variant type: single nucleotide variant.
Coding change: c.3036C>T on transcript NM_015215.4 (MANE Select); coding-DNA position 3036, C replaced by T.
Protein change: p.Ser1012=; no amino-acid change (serine 1012 retained).
Molecular consequence: synonymous variant.
Genome position (GRCh38, 1-based): chr1:7,732,569, C>T. VCF-style: chr1-7732569-C-T. GRCh37 (hg19) VCF-style: chr1-7792629-C-T.
Other names: c.2946C>T, p.Ser982= (NM_001349608.2, NM_001349612.2); c.3036C>T, p.Ser1012= (NM_001349609.2, NM_001349610.2, NM_001410737.1); c.165C>T, p.Ser55= (NM_001349613.1); c.108C>T, p.Ser36= (NM_001349614.1, NM_001349615.2, NM_001349616.2 and 10 more transcripts); c.2964C>T, p.Ser988= (NM_001410738.1).
Identifiers: ClinVar variation 3713483 (VCV003713483.4).
Genomic context (GRCh38, chr1:7,732,569, plus strand): 5'-GATGACGGGGTCCCAGCAGCACAAACAGGCGAGCGGAGGCGGCAGCAGTGGAGGCGGCAG[C>T]GGGAGCGGGAATGGAGGGAGCCAGGCACAGGTACGAGGCGGTGCTGATGCTCAGCTCCCA-3'
Protein context (NP_056030.1, residues 1002-1022): ASGGGSSGGG[Ser1012=]GSGNGGSQAQ